The following is an entry in ClinVar:

ClinVar aggregate classification (germline): Likely benign. Review status: criteria provided, multiple submitters, no conflicts (2 of 4 stars). 2 submissions from 2 submitters: Likely benign (2). Last evaluated 2026-05-12.

Conditions:
Neurofibromatosis, type 1 (NF1). Also called: VON RECKLINGHAUSEN DISEASE; Neurofibromatosis, type I; NEUROFIBROMATOSIS, TYPE I, SOMATIC; Peripheral type neurofibromatosis. Identifiers: Orphanet 636, MedGen C0027831, MONDO:0018975, OMIM 162200. Disease mechanism: loss of function.

Allele frequency attached by ClinVar (database versions not stated): gnomAD exomes below 0.00001.

Submissions (2):

Myriad Genetics, Inc.
Classification: Likely benign for Neurofibromatosis, type 1. Last evaluated: 2026-05-12. Review status: criteria provided, single submitter. Criteria: Myriad Autosomal Dominant, Autosomal Recessive and X-Linked Classification Criteria (2023). Collection method: clinical testing. Allele origin: unknown.
Comment: This variant is considered likely benign. This variant is intronic and is not expected to impact mRNA splicing.

Labcorp Genetics (formerly Invitae), Labcorp
Classification: Likely benign for Neurofibromatosis, type 1. Last evaluated: 2025-07-31. Review status: criteria provided, single submitter. Criteria: Invitae Variant Classification Sherloc (09022015). Collection method: clinical testing. Allele origin: germline.

NM_001042492.3(NF1):c.3315-18A>G

Gene: NF1 (neurofibromin 1; plus strand). Cytogenetic location: 17q11.2.
Variant type: single nucleotide variant.
Coding change: c.3315-18A>G on transcript NM_001042492.3 (MANE Select); 18 bases into the intron before coding-DNA position 3315, A replaced by G.
Molecular consequence: intron variant.
Genome position (GRCh38, 1-based): chr17:31,232,682, A>G. VCF-style: chr17-31232682-A-G. GRCh37 (hg19) VCF-style: chr17-29559700-A-G.
Other names: c.3315-18A>G (NM_000267.4).
Identifiers: ClinVar variation 1548434 (VCV001548434.9), dbSNP rs2067133614, ClinGen allele CA982966385.